The following is an entry in ClinVar:

NM_032590.5(KDM2B):c.3130C>G (p.Arg1044Gly)

Gene: KDM2B (lysine demethylase 2B; minus strand). Cytogenetic location: 12q24.31.
Variant type: single nucleotide variant.
Coding change: c.3130C>G on transcript NM_032590.5 (MANE Select); coding-DNA position 3130, C replaced by G.
Protein change: p.Arg1044Gly; replaces arginine 1044 with glycine.
Molecular consequence: missense variant.
Genome position (GRCh38, 1-based): chr12:121,442,311, G>C on the plus strand (C>G on the coding strand, the complement: KDM2B is on the minus strand). VCF-style: chr12-121442311-G-C. GRCh37 (hg19) VCF-style: chr12-121880114-G-C.
Other names: c.2923C>G, p.Arg975Gly (NM_001005366.2); short protein forms R1044G, R975G.
Identifiers: ClinVar variation 3774784 (VCV003774784.1).

ClinVar aggregate classification (germline): Uncertain significance (1 of 4 stars; one submission).

Submission:

GeneDx
Classification: Uncertain significance. Last evaluated: 2024-09-26. Review status: criteria provided, single submitter. Criteria: GeneDx Variant Classification Process June 2021. Collection method: clinical testing. Allele origin: germline. Affected: yes.
Comment: Not observed at significant frequency in large population cohorts (gnomAD); In silico analysis supports that this missense variant has a deleterious effect on protein structure/function; Has not been previously published as pathogenic or benign to our knowledge